The following is an entry in ClinVar:

NM_001122769.3(LCA5):c.1281dup (p.Leu428fs)

Gene: LCA5 (lebercilin LCA5; minus strand). Cytogenetic location: 6q14.1.
Variant type: Duplication.
Coding change: c.1281dup on transcript NM_001122769.3 (MANE Select); coding-DNA position 1281, one base duplicated (A; older notation c.1281dupA).
Protein change: p.Leu428fs; shifts the reading frame from leucine 428.
Molecular consequence: frameshift variant.
Genome position (GRCh38, 1-based): chr6:79,487,817, T duplicated on the plus strand (A on the coding strand, the reverse complement: LCA5 is on the minus strand). VCF-style (leftmost placement, unchanged base first): chr6-79487816-G-GT. GRCh37 (hg19) VCF-style: chr6-80197533-G-GT.
Other names: c.1281dup, p.Leu428fs (NM_181714.4); short protein forms L428fs.
Identifiers: ClinVar variation 1421702 (VCV001421702.6), dbSNP rs2127666093, ClinGen allele CA2573141249.

ClinVar aggregate classification (germline): Pathogenic (1 of 4 stars; one submission).

Submission:

Labcorp Genetics (formerly Invitae), Labcorp
Classification: Pathogenic. Last evaluated: 2021-07-07. Review status: criteria provided, single submitter. Criteria: Invitae Variant Classification Sherloc (09022015). Collection method: clinical testing. Allele origin: germline.
Comment: For these reasons, this variant has been classified as Pathogenic. This sequence change creates a premature translational stop signal (p.Leu428Thrfs*26) in the LCA5 gene. While this is not anticipated to result in nonsense mediated decay, it is expected to disrupt the last 270 amino acid(s) of the LCA5 protein. This variant is not present in population databases (ExAC no frequency). This variant has not been reported in the literature in individuals affected with LCA5-related conditions. This variant disrupts a region of the LCA5 protein in which other variant(s) (p.Lys586*) have been determined to be pathogenic (PMID: 23946133, 27624628). This suggests that this is a clinically significant region of the protein, and that variants that disrupt it are likely to be disease-causing.

Literature cited by the submitters: PubMed 23946133; PubMed 27624628.